The following is an entry in ClinVar:

NM_001378120.1(MBD5):c.4187G>A (p.Gly1396Glu)

Gene: MBD5 (methyl-CpG binding domain protein 5; plus strand). Cytogenetic location: 2q23.1.
Variant type: single nucleotide variant.
Coding change: c.4187G>A on transcript NM_001378120.1 (MANE Select); coding-DNA position 4187, G replaced by A.
Protein change: p.Gly1396Glu; replaces glycine 1396 with glutamic acid.
Molecular consequence: missense variant.
Genome position (GRCh38, 1-based): chr2:148,489,819, G>A. VCF-style: chr2-148489819-G-A. GRCh37 (hg19) VCF-style: chr2-149247388-G-A.
Other names: c.3488G>A (NM_018328.4); c.3488G>A, p.Gly1163Glu (NM_018328.5); short protein forms G1396E, G1163E.
Identifiers: ClinVar variation 2722402 (VCV002722402.4), dbSNP rs1281344660, ClinGen allele CA348728202.

ClinVar aggregate classification (germline): Uncertain significance. Review status: criteria provided, multiple submitters, no conflicts (2 of 4 stars). 2 submissions from 2 submitters: Uncertain significance (2). Last evaluated 2024-06-13.

Conditions:
Intellectual developmental disorder, autosomal dominant 1. Also called: Intellectual disability, autosomal dominant 1; MBD5 Haploinsufficiency. Identifiers: Orphanet 228402, MedGen C1969562, MONDO:0007974, OMIM 156200.

Submissions (2):

GeneDx
Classification: Uncertain significance. Last evaluated: 2024-06-13. Review status: criteria provided, single submitter. Criteria: GeneDx Variant Classification Process June 2021. Collection method: clinical testing. Allele origin: germline. Affected: yes.
Comment: Not observed at significant frequency in large population cohorts (gnomAD); In silico analysis indicates that this missense variant does not alter protein structure/function; Has not been previously published as pathogenic or benign to our knowledge

Labcorp Genetics (formerly Invitae), Labcorp
Classification: Uncertain significance for Intellectual developmental disorder, autosomal dominant 1. Last evaluated: 2023-03-04. Review status: criteria provided, single submitter. Criteria: Invitae Variant Classification Sherloc (09022015). Collection method: clinical testing. Allele origin: germline.
Comment: Experimental studies and prediction algorithms are not available or were not evaluated, and the functional significance of this variant is currently unknown. This variant has not been reported in the literature in individuals affected with MBD5-related conditions. This variant is not present in population databases (gnomAD no frequency). This sequence change replaces glycine, which is neutral and non-polar, with glutamic acid, which is acidic and polar, at codon 1163 of the MBD5 protein (p.Gly1163Glu). In summary, the available evidence is currently insufficient to determine the role of this variant in disease. Therefore, it has been classified as a Variant of Uncertain Significance.